The following is an entry in ClinVar:

ClinVar aggregate classification (germline): Uncertain significance (1 of 4 stars; one submission).

Conditions:
Epidermolysis bullosa simplex 5C, with pyloric atresia (EBS5C). Also called: PLEC1-Related Epidermolysis Bullosa with Pyloric Atresia; Epidermolysis bullosa simplex with pyloric atresia; PLEC-Related Epidermolysis Bullosa with Pyloric Atresia. Identifiers: Orphanet 158684, MedGen C2677349, MONDO:0012807, OMIM 612138.
Autosomal recessive limb-girdle muscular dystrophy type 2Q (LGMDR17). Also called: MUSCULAR DYSTROPHY, LIMB-GIRDLE, AUTOSOMAL RECESSIVE 17. Identifiers: Orphanet 254361, MedGen C3150989, MONDO:0013390, OMIM 613723.
Epidermolysis bullosa simplex with nail dystrophy (EBS5D). Identifiers: MedGen C4225309, MONDO:0014661, OMIM 616487.
Epidermolysis bullosa simplex 5B, with muscular dystrophy (EBS5B). Also called: Epidermolysis bullosa simplex with muscular dystrophy; EPIDERMOLYSIS BULLOSA SIMPLEX AND LIMB-GIRDLE MUSCULAR DYSTROPHY. Identifiers: Orphanet 257, MedGen C2931072, MONDO:0009181, OMIM 226670.
Epidermolysis bullosa simplex, Ogna type (EBS5A). Also called: EPIDERMOLYSIS BULLOSA SIMPLEX 5A, OGNA TYPE; Pidermolysis bullosa simplex 5A, Ogna type. Identifiers: Orphanet 79401, MedGen C0432317, MONDO:0007555, OMIM 131950.

Submission:

Labcorp Genetics (formerly Invitae), Labcorp
Classification: Uncertain significance for Autosomal recessive limb-girdle muscular dystrophy type 2Q; Epidermolysis bullosa simplex, Ogna type; Epidermolysis bullosa simplex with nail dystrophy; Epidermolysis bullosa simplex 5C, with pyloric atresia; Epidermolysis bullosa simplex 5B, with muscular dystrophy. Last evaluated: 2022-04-04. Review status: criteria provided, single submitter. Criteria: Invitae Variant Classification Sherloc (09022015). Collection method: clinical testing. Allele origin: germline.
Comment: This sequence change replaces glutamic acid, which is acidic and polar, with alanine, which is neutral and non-polar, at codon 3577 of the PLEC protein (p.Glu3577Ala). This variant is not present in population databases (gnomAD no frequency). This variant has not been reported in the literature in individuals affected with PLEC-related conditions. ClinVar contains an entry for this variant (Variation ID: 845128). Algorithms developed to predict the effect of missense changes on protein structure and function (SIFT, PolyPhen-2, Align-GVGD) all suggest that this variant is likely to be tolerated. In summary, the available evidence is currently insufficient to determine the role of this variant in disease. Therefore, it has been classified as a Variant of Uncertain Significance.

NM_201384.3(PLEC):c.10649A>C (p.Glu3550Ala)

Gene: PLEC (plectin; minus strand). Cytogenetic location: 8q24.3.
Variant type: single nucleotide variant.
Coding change: c.10649A>C on transcript NM_201384.3 (MANE Select); coding-DNA position 10649, A replaced by C.
Protein change: p.Glu3550Ala; replaces glutamic acid 3550 with alanine.
Molecular consequence: missense variant.
Genome position (GRCh38, 1-based): chr8:143,919,172, T>G on the plus strand (A>C on the coding strand, the complement: PLEC is on the minus strand). VCF-style: chr8-143919172-T-G. GRCh37 (hg19) VCF-style: chr8-144993340-T-G.
Other names: c.10730A>C, p.Glu3577Ala (NM_000445.5); c.10607A>C, p.Glu3536Ala (NM_201378.4); c.10583A>C, p.Glu3528Ala (NM_201379.3); c.11060A>C, p.Glu3687Ala (NM_201380.4); c.10553A>C, p.Glu3518Ala (NM_201381.3); c.10649A>C, p.Glu3550Ala (NM_201382.4); c.10661A>C, p.Glu3554Ala (NM_201383.3); short protein forms E3528A, E3687A, E3536A, E3550A, E3518A, E3554A, E3577A.
Identifiers: ClinVar variation 845128 (VCV000845128.10), dbSNP rs1821633969, ClinGen allele CA372497261.